The following is an entry in ClinVar:

ClinVar aggregate classification (germline): Benign (1 of 4 stars; one submission).

Allele frequency attached by ClinVar (database versions not stated): ExAC 0.00046; gnomAD exomes 0.01716; gnomAD 0.01809; 1000 Genomes Project 30x 0.02983.

Submission:

Unidad de Genómica Garrahan, Hospital de Pediatría Garrahan
Classification: Benign. Last evaluated: 2024-01-24. Review status: criteria provided, single submitter. Criteria: ACMG Guidelines, 2015. Collection method: clinical testing. Allele origin: germline. Affected: no. Observed: 19 variant alleles.
Comment: This variant is classified as Benign based on local population frequency. This variant was detected in 22% of patients studied by a panel of primary immunodeficiencies. Number of patients: 19. Only high quality variants are reported.

NM_006949.4(STXBP2):c.247-373_247-372insCA

Gene: STXBP2 (syntaxin binding protein 2; plus strand). Cytogenetic location: 19p13.2.
Variant type: Insertion.
Coding change: c.247-373_247-372insCA on transcript NM_006949.4 (MANE Select); 373 bases into the intron before coding-DNA position 247 through 372 bases into the intron before coding-DNA position 247, CA inserted.
Molecular consequence: intron variant.
Genome position: GRCh38 VCF-style: chr19-7640358-G-GCA. GRCh37 (hg19) VCF-style: chr19-7705244-G-GCA.
Other names: c.151-373_151-372insCA (NM_001414484.1); c.247-340_247-339insCA (NM_001272034.2); c.247-382_247-381insCA (NM_001127396.3).
Identifiers: ClinVar variation 2688502 (VCV002688502.2), dbSNP rs770179765, ClinGen allele CA9143403.